The following is an entry in ClinVar:

ClinVar aggregate classification (germline): Likely pathogenic. Review status: criteria provided, single submitter (1 of 4 stars). 2 submissions from 2 submitters: Likely pathogenic (1). 1 of the submissions does not count toward it. Last evaluated 2026-03-17.

Conditions:
Dystonia 12 (DYT12). Also called: Rapid-Onset Dystonia-Parkinsonism (RDP); DYT-ATP1A3. Identifiers: Orphanet 71517, MedGen C1868681, MONDO:0007496, OMIM 128235.

Submissions (2):

GeneDx
Classification: Likely pathogenic. Last evaluated: 2026-03-17. Review status: criteria provided, single submitter. Criteria: GeneDx Variant Classification Process June 2021. Collection method: clinical testing. Allele origin: germline.
Comment: Not observed at significant frequency in large population cohorts (gnomAD); In silico analysis supports that this missense variant has a deleterious effect on protein structure/function; Identified in a patient with epilepsy and episodic apnea in published literature (PMID: 25656163); This variant is associated with the following publications: (PMID: 31425744, 31959558, 25656163)

GeneReviews
No classification provided. Condition: Dystonia 12. Review status: no classification provided. Collection method: literature only. Allele origin: germline. Not counted in ClinVar's aggregate classification.

Literature cited by the submitters: NCBI Bookshelf NBK1115 (cited by GeneReviews).

NM_152296.5(ATP1A3):c.1088T>A (p.Ile363Asn)

Gene: ATP1A3 (ATPase Na+/K+ transporting subunit alpha 3; minus strand). Cytogenetic location: 19q13.2.
Variant type: single nucleotide variant.
Coding change: c.1088T>A on transcript NM_152296.5 (MANE Select); coding-DNA position 1088, T replaced by A.
Protein change: p.Ile363Asn; replaces isoleucine 363 with asparagine.
Molecular consequence: missense variant.
Genome position (GRCh38, 1-based): chr19:41,982,012, A>T on the plus strand (T>A on the coding strand, the complement: ATP1A3 is on the minus strand). VCF-style: chr19-41982012-A-T. GRCh37 (hg19) VCF-style: chr19-42486164-A-T.
Other names: c.1121T>A, p.Ile374Asn (NM_001256213.2); c.1127T>A, p.Ile376Asn (NM_001256214.2); short protein forms I363N, I374N, I376N.
Identifiers: ClinVar variation 1700241 (VCV001700241.3), dbSNP rs2145972483, ClinGen allele CA406051194.